The following is an entry in ClinVar:

NM_005392.4(PHF2):c.213C>T (p.His71=)

Gene: PHF2 (PHD finger protein 2; plus strand). Cytogenetic location: 9q22.31.
Variant type: single nucleotide variant.
Coding change: c.213C>T on transcript NM_005392.4 (MANE Select); coding-DNA position 213, C replaced by T.
Protein change: p.His71=; no amino-acid change (histidine 71 retained).
Molecular consequence: synonymous variant.
Genome position (GRCh38, 1-based): chr9:93,636,439, C>T. VCF-style: chr9-93636439-C-T. GRCh37 (hg19) VCF-style: chr9-96398721-C-T.
Identifiers: ClinVar variation 5038945 (VCV005038945.1).

ClinVar aggregate classification (germline): Likely benign (1 of 4 stars; one submission).

gnomAD v4.1: 416 of 1,609,682 alleles (0.026%); highest among the groups gnomAD compares: African/African-American, 0.47%; 1 homozygote.

Submission:

CeGaT Center for Human Genetics Tuebingen
Classification: Likely benign. Last evaluated: 2026-08-01. Review status: criteria provided, single submitter. Criteria: CeGaT Center For Human Genetics Tuebingen Variant Classification Criteria Version 2. Collection method: clinical testing. Allele origin: germline. Affected: yes. Observed: 1 variant allele.
Comment: PHF2: BP4, BP7